The following is an entry in ClinVar:

ClinVar aggregate classification (germline): Pathogenic (1 of 4 stars; one submission).

Conditions:
Desbuquois dysplasia 2 (DBQD2). Also called: Baratela-Scott syndrome. Identifiers: Orphanet 1425, MedGen C4014294, MONDO:0014343, OMIM 615777.

Submission:

Women's Health and Genetics/Laboratory Corporation of America, LabCorp
Classification: Pathogenic for Desbuquois dysplasia 2. Last evaluated: 2024-06-10. Review status: criteria provided, single submitter. Criteria: LabCorp Variant Classification Summary - May 2015. Collection method: clinical testing. Allele origin: germline.
Comment: Variant summary: XYLT1 c.1108C>T (p.Gln370X) results in a premature termination codon, predicted to cause a truncation of the encoded protein or absence of the protein due to nonsense mediated decay, which are commonly known mechanisms for disease. The variant was absent in 250668 control chromosomes. To our knowledge, no occurrence of c.1108C>T in individuals affected with Desbuquois Dysplasia 2 and no experimental evidence demonstrating its impact on protein function have been reported. No submitters have cited clinical-significance assessments for this variant to ClinVar. Based on the evidence outlined above, the variant was classified as pathogenic.

NM_022166.4(XYLT1):c.1108C>T (p.Gln370Ter)

Gene: XYLT1 (xylosyltransferase 1; minus strand). Cytogenetic location: 16p12.3.
Variant type: single nucleotide variant.
Coding change: c.1108C>T on transcript NM_022166.4 (MANE Select); coding-DNA position 1108, C replaced by T.
Protein change: p.Gln370Ter; replaces glutamine 370 with a stop codon.
Molecular consequence: nonsense.
Genome position (GRCh38, 1-based): chr16:17,198,393, G>A on the plus strand (C>T on the coding strand, the complement: XYLT1 is on the minus strand). VCF-style: chr16-17198393-G-A. GRCh37 (hg19) VCF-style: chr16-17292250-G-A.
Other names: short protein forms Q370*.
Identifiers: ClinVar variation 3339666 (VCV003339666.1).